The following is an entry in ClinVar:

ClinVar aggregate classification (germline): Uncertain significance (1 of 4 stars; one submission).

Conditions:
Autosomal recessive cerebellar ataxia-saccadic intrusion syndrome. Also called: SPINOCEREBELLAR ATAXIA 24; VPS13D Movement Disorder. Identifiers: Orphanet 95434, MedGen C1846492, MONDO:0011811, OMIM 607317.

Allele frequency attached by ClinVar (database versions not stated): gnomAD exomes below 0.00001 and 0.00001; TOPMed 0.00001.
gnomAD v4.1: 8 of 1,614,126 alleles (0.0005%); highest among the groups gnomAD compares: East Asian, 0.0022%; no homozygotes.

Submission:

Institute of Human Genetics, University of Leipzig Medical Center
Classification: Uncertain significance for Autosomal recessive cerebellar ataxia-saccadic intrusion syndrome. Last evaluated: 2021-03-03. Review status: criteria provided, single submitter. Criteria: ACMG Guidelines, 2015. Collection method: clinical testing. Allele origin: unknown. Affected: yes.
Comment: Despite strong evidence for its pathogenicity, this variant has to be classified as of unknown significance, according to the ACMG-criteria (Richards et al., 2015)

NM_015378.4(VPS13D):c.3353C>T (p.Thr1118Met)

Gene: VPS13D (vacuolar protein sorting 13 homolog D; plus strand). Cytogenetic location: 1p36.22.
Variant type: single nucleotide variant.
Coding change: c.3353C>T on transcript NM_015378.4 (MANE Select); coding-DNA position 3353, C replaced by T.
Protein change: p.Thr1118Met; replaces threonine 1118 with methionine.
Molecular consequence: missense variant.
Genome position (GRCh38, 1-based): chr1:12,276,941, C>T. VCF-style: chr1-12276941-C-T. GRCh37 (hg19) VCF-style: chr1-12336998-C-T.
Other names: c.3353C>T, p.Thr1118Met (NM_018156.4); short protein forms T1118M.
Identifiers: ClinVar variation 1285543 (VCV001285543.1), dbSNP rs1436479178, ClinGen allele CA338474694.